The following is an entry in ClinVar:

ClinVar aggregate classification (germline): Pathogenic/Likely pathogenic. Review status: criteria provided, multiple submitters, no conflicts (2 of 4 stars). 5 submissions from 5 submitters: Pathogenic (3); Likely pathogenic (2). Last evaluated 2025-09-30.

Conditions:
Bartter disease type 2. Also called: Bartter syndrome, type 2, antenatal; HYPERPROSTAGLANDIN E SYNDROME 2; HYPOKALEMIC ALKALOSIS WITH HYPERCALCIURIA 2, ANTENATAL. Identifiers: Orphanet 112, Orphanet 620220, MedGen C1855849, MONDO:0009424, OMIM 241200.

Allele frequency attached by ClinVar (database versions not stated): gnomAD 0.00001; gnomAD exomes 0.00003 and 0.00013; TOPMed 0.00005; ExAC 0.00010.
gnomAD v4.1: 45 of 1,614,042 alleles (0.0028%); highest among the groups gnomAD compares: Admixed American, 0.057%; no homozygotes.

Submissions (5):

Labcorp Genetics (formerly Invitae), Labcorp
Classification: Pathogenic. Last evaluated: 2025-09-30. Review status: criteria provided, single submitter. Criteria: Invitae Variant Classification Sherloc (09022015). Collection method: clinical testing. Allele origin: germline.
Comment: This sequence change creates a premature translational stop signal (p.Cys308*) in the KCNJ1 gene. While this is not anticipated to result in nonsense mediated decay, it is expected to disrupt the last 84 amino acid(s) of the KCNJ1 protein. This variant is present in population databases (rs746509804, gnomAD 0.07%). This variant has not been reported in the literature in individuals affected with KCNJ1-related conditions. ClinVar contains an entry for this variant (Variation ID: 586076). This variant disrupts a region of the KCNJ1 protein in which other variant(s) (p.His354Serfs*8) have been determined to be pathogenic (PMID: 11318951). This suggests that this is a clinically significant region of the protein, and that variants that disrupt it are likely to be disease-causing. For these reasons, this variant has been classified as Pathogenic.

Fulgent Genetics
Classification: Likely pathogenic for Bartter disease type 2. Last evaluated: 2024-02-14. Review status: criteria provided, single submitter. Criteria: ACMG Guidelines, 2015. Collection method: clinical testing. Allele origin: germline.

Daryl Scott Lab, Baylor College of Medicine
Classification: Pathogenic for Bartter disease type 2. Last evaluated: 2024-01-01. Review status: criteria provided, single submitter. Criteria: ACMG Guidelines, 2015. Collection method: clinical testing. Allele origin: biparental. Affected: yes. Observed: 1 homozygote.
Comment: PVS1

GeneDx
Classification: Likely pathogenic. Last evaluated: 2020-06-22. Review status: criteria provided, single submitter. Criteria: GeneDx Variant Classification Process June 2021. Collection method: clinical testing. Allele origin: germline. Affected: yes.
Comment: Nonsense variant in the C-terminus predicted to result in protein truncation, as the last 84 amino acids are lost, and other loss-of-function variants have been reported downstream in the Human Gene Mutation Database (Stenson et al., 2014); Has not been previously published as pathogenic or benign to our knowledge

Athena Diagnostics
Classification: Pathogenic. Last evaluated: 2017-12-04. Review status: criteria provided, single submitter. Criteria: Athena Diagnostics Criteria. Collection method: clinical testing. Allele origin: germline.

Literature cited by the submitters: PubMed 11318951 (cited by Labcorp Genetics (formerly Invitae), Labcorp).

NM_153766.3(KCNJ1):c.867C>A (p.Cys289Ter)

Gene: KCNJ1 (potassium inwardly rectifying channel subfamily J member 1; minus strand). Cytogenetic location: 11q24.3.
Variant type: single nucleotide variant.
Coding change: c.867C>A on transcript NM_153766.3 (MANE Select); coding-DNA position 867, C replaced by A.
Protein change: p.Cys289Ter; replaces cysteine 289 with a stop codon.
Molecular consequence: nonsense.
Genome position (GRCh38, 1-based): chr11:128,839,377, G>T on the plus strand (C>A on the coding strand, the complement: KCNJ1 is on the minus strand). VCF-style: chr11-128839377-G-T. GRCh37 (hg19) VCF-style: chr11-128709272-G-T.
Other names: c.924C>A (NM_000220.3); c.924C>A, p.Cys308Ter (NM_000220.6); c.867C>A, p.Cys289Ter (NM_153764.3, NM_153767.4); c.918C>A, p.Cys306Ter (NM_153765.3); short protein forms C289*, C308*, C306*.
Identifiers: ClinVar variation 586076 (VCV000586076.14), dbSNP rs746509804, ClinGen allele CA6357436.
Genomic context (GRCh38, chr11:128,839,377, plus strand): 5'-TATGGGAGCAAAACGGTAGCCCCAAAGCACCTCCTCTGGGACATAGGATGTCCGGACTTG[G>T]CAGGTAGCACTGGTGGACTCCACTGTGCCATCTAAAAACACCACTAATTCAAAGTCCTGC-3'